The following is an entry in ClinVar:

ClinVar aggregate classification (germline): Uncertain significance (1 of 4 stars; one submission).

Submission:

Ambry Genetics
Classification: Uncertain significance. Last evaluated: 2025-08-24. Review status: criteria provided, single submitter. Criteria: Ambry Variant Classification Scheme 2023. Collection method: clinical testing. Allele origin: germline.
Comment: The p.R103G variant (also known as c.307C>G), located in coding exon 5 of the FAM175A gene, results from a C to G substitution at nucleotide position 307. The arginine at codon 103 is replaced by glycine, an amino acid with dissimilar properties. This amino acid position is conserved. In addition, this alteration is predicted to be deleterious by in silico analysis. Based on the available evidence, the clinical significance of this variant remains unclear.

NM_139076.3(ABRAXAS1):c.307C>G (p.Arg103Gly)

Gene: ABRAXAS1 (abraxas 1, BRCA1 A complex subunit; minus strand). Cytogenetic location: 4q21.23.
Variant type: single nucleotide variant.
Coding change: c.307C>G on transcript NM_139076.3 (MANE Select); coding-DNA position 307, C replaced by G.
Protein change: p.Arg103Gly; replaces arginine 103 with glycine.
Molecular consequence: missense variant. On other transcripts: 5 prime UTR variant (1).
Genome position (GRCh38, 1-based): chr4:83,470,372, G>C on the plus strand (C>G on the coding strand, the complement: ABRAXAS1 is on the minus strand). VCF-style: chr4-83470372-G-C. GRCh37 (hg19) VCF-style: chr4-84391525-G-C.
Other names: c.-21C>G (NM_001345962.2); short protein forms R103G.
Identifiers: ClinVar variation 4185953 (VCV004185953.1).